The following is an entry in ClinVar:

ClinVar aggregate classification (germline): Likely benign (0 of 4 stars; one submission).

Conditions:
NUMA1-related disorder. Also called: NUMA1-related condition.

Allele frequency attached by ClinVar (database versions not stated): TOPMed 0.00002.
gnomAD v4.1: 18 of 1,613,252 alleles (0.0011%); highest among the groups gnomAD compares: Middle Eastern, 0.016%; no homozygotes.

Submission:

PreventionGenetics, part of Exact Sciences
Classification: Likely benign for NUMA1-related condition. Last evaluated: 2019-02-22. Review status: no assertion criteria provided. Collection method: clinical testing. Allele origin: germline.
Comment: This variant is classified as likely benign based on ACMG/AMP sequence variant interpretation guidelines (Richards et al. 2015 PMID: 25741868, with internal and published modifications).

NM_006185.4(NUMA1):c.4044C>T (p.Leu1348=)

Gene: NUMA1 (nuclear mitotic apparatus protein 1; minus strand). Cytogenetic location: 11q13.4.
Variant type: single nucleotide variant.
Coding change: c.4044C>T on transcript NM_006185.4 (MANE Select); coding-DNA position 4044, C replaced by T.
Protein change: p.Leu1348=; no amino-acid change (leucine 1348 retained).
Molecular consequence: synonymous variant.
Genome position (GRCh38, 1-based): chr11:72,013,459, G>A on the plus strand (C>T on the coding strand, the complement: NUMA1 is on the minus strand). VCF-style: chr11-72013459-G-A. GRCh37 (hg19) VCF-style: chr11-71724505-G-A.
Other names: c.4044C>T, p.Leu1348= (NM_001286561.2).
Identifiers: ClinVar variation 3057890 (VCV003057890.2), dbSNP rs746525513, ClinGen allele CA6167169.
Genomic context (GRCh38, chr11:72,013,459, plus strand): 5'-CTGGCAGAGGTGCTTAGCTGGCAGCAGCTCACTCACCAGGGCCTGTGTGCTGGTGTGCTC[G>A]AGCTGCAGGGTGGAGAGGGCCTGCTCTTTCTGGAAGAACTTCTCCTGCCACGCCTTCAAT-3'
Protein context (NP_006176.2, residues 1338-1358): QKEQALSTLQ[Leu1348=]EHTSTQALVS